The following is an entry in ClinVar:

NM_022114.4(PRDM16):c.77G>A (p.Arg26Gln)

Gene: PRDM16 (PR/SET domain 16; plus strand). Cytogenetic location: 1p36.32.
Variant type: single nucleotide variant.
Coding change: c.77G>A on transcript NM_022114.4 (MANE Select); coding-DNA position 77, G replaced by A.
Protein change: p.Arg26Gln; replaces arginine 26 with glutamine.
Molecular consequence: missense variant.
Genome position (GRCh38, 1-based): chr1:3,186,164, G>A. VCF-style: chr1-3186164-G-A. GRCh37 (hg19) VCF-style: chr1-3102728-G-A.
Other names: c.77G>A, p.Arg26Gln (NM_199454.3); short protein forms R26Q.
Identifiers: ClinVar variation 650830 (VCV000650830.11), dbSNP rs375422885, ClinGen allele CA543692.

ClinVar aggregate classification (germline): Conflicting classifications of pathogenicity. Review status: criteria provided, conflicting classifications (1 of 4 stars). 3 submissions from 3 submitters: Uncertain significance (2); Likely benign (1). Last evaluated 2026-01-16.

Conditions:
Inborn genetic diseases. Identifiers: MedGen C0950123, MeSH D030342.
Left ventricular noncompaction 8 (LVNC8). Identifiers: Orphanet 154, Orphanet 54260, MedGen C3809288, MONDO:0014152, OMIM 615373.

Allele frequency attached by ClinVar (database versions not stated): gnomAD exomes 0.00001 and 0.00002; ExAC 0.00003; gnomAD 0.00004; TOPMed 0.00005; ESP Exome Variant Server 0.00008; 1000 Genomes Project 0.00020; 1000 Genomes Project 30x 0.00031.
gnomAD v4.1: 17 of 1,612,788 alleles (0.0011%); highest among the groups gnomAD compares: African/African-American, 0.0067%; no homozygotes.

Submissions (3):

Labcorp Genetics (formerly Invitae), Labcorp
Classification: Uncertain significance for Left ventricular noncompaction 8. Last evaluated: 2026-01-16. Review status: criteria provided, single submitter. Criteria: Invitae Variant Classification Sherloc (09022015). Collection method: clinical testing. Allele origin: germline.
Comment: This sequence change replaces arginine, which is basic and polar, with glutamine, which is neutral and polar, at codon 26 of the PRDM16 protein (p.Arg26Gln). This variant is present in population databases (rs375422885, gnomAD 0.008%). This variant has not been reported in the literature in individuals affected with PRDM16-related conditions. ClinVar contains an entry for this variant (Variation ID: 650830). An algorithm developed to predict the effect of missense changes on protein structure and function (PolyPhen-2) suggests that this variant is likely to be tolerated. In summary, the available evidence is currently insufficient to determine the role of this variant in disease. Therefore, it has been classified as a Variant of Uncertain Significance.

Ambry Genetics
Classification: Uncertain significance for Inborn genetic diseases. Last evaluated: 2025-09-26. Review status: criteria provided, single submitter. Criteria: Ambry Variant Classification Scheme 2023. Collection method: clinical testing. Allele origin: germline.

Blueprint Genetics
Classification: Likely benign. Last evaluated: 2020-08-25. Review status: criteria provided, single submitter. Criteria: ACMG Guidelines, 2015. Collection method: clinical testing. Allele origin: germline.